The following is an entry in ClinVar:

ClinVar aggregate classification (germline): Uncertain significance. Review status: criteria provided, multiple submitters, no conflicts (2 of 4 stars). 2 submissions from 2 submitters: Uncertain significance (2). Last evaluated 2024-04-17.

Allele frequency attached by ClinVar (database versions not stated): gnomAD exomes below 0.00001; TOPMed below 0.00001.
gnomAD v4.1: 2 of 1,207,175 alleles (0.00017%); highest among the groups gnomAD compares: Non-Finnish European, 0.00022%; no homozygotes.

Submissions (2):

GeneDx
Classification: Uncertain significance. Last evaluated: 2024-04-17. Review status: criteria provided, single submitter. Criteria: GeneDx Variant Classification Process June 2021. Collection method: clinical testing. Allele origin: germline. Affected: yes.
Comment: Not observed at significant frequency in large population cohorts (gnomAD); In silico analysis supports that this missense variant has a deleterious effect on protein structure/function; Has not been previously published as pathogenic or benign to our knowledge

Genetic Services Laboratory, University of Chicago
Classification: Uncertain significance. Last evaluated: 2015-04-23. Review status: criteria provided, single submitter. Criteria: ACMG Guidelines, 2015. Collection method: clinical testing. Allele origin: germline.

NM_001353921.2(ARHGEF9):c.266G>T (p.Gly89Val)

Gene: ARHGEF9 (Cdc42 guanine nucleotide exchange factor 9; minus strand). Cytogenetic location: Xq11.1.
Variant type: single nucleotide variant.
Coding change: c.266G>T on transcript NM_001353921.2 (MANE Select); coding-DNA position 266, G replaced by T.
Protein change: p.Gly89Val; replaces glycine 89 with valine.
Molecular consequence: missense variant. On other transcripts: 5 prime UTR variant (3).
Genome position (GRCh38, 1-based): chrX:63,706,394, C>A on the plus strand (G>T on the coding strand, the complement: ARHGEF9 is on the minus strand). VCF-style: chrX-63706394-C-A. GRCh37 (hg19) VCF-style: chrX-62926274-C-A.
Other names: c.86G>T, p.Gly29Val (NM_001173479.2); c.-62G>T (NM_001173480.2, NM_001369042.1); c.182G>T, p.Gly61Val (NM_001330495.2, NM_001353927.2, NM_001369033.1 and 8 more transcripts); c.266G>T, p.Gly89Val (NM_001353922.2); c.284G>T, p.Gly95Val (NM_001353923.1); c.65G>T, p.Gly22Val (NM_001353924.2, NM_001353926.2, NM_001369039.1 and 1 more transcripts); c.245G>T, p.Gly82Val (NM_001353928.2, NM_001369030.1, NM_001369031.1 and 2 more transcripts); c.-438G>T (NM_001369045.1); short protein forms G82V, G89V, G29V, G61V, G95V, G22V.
Identifiers: ClinVar variation 210255 (VCV000210255.7), dbSNP rs797045261, ClinGen allele CA209874.